The following is an entry in ClinVar:

NC_000007.13:g.(?_75956115)_(75988309_?)dup

Gene: YWHAG (tyrosine 3-monooxygenase/tryptophan 5-monooxygenase activation protein gamma; minus strand). Cytogenetic location: 7q11.23.
Variant type: Duplication.
Identifiers: ClinVar variation 4847873 (VCV004847873.1).

ClinVar aggregate classification (germline): Uncertain significance (1 of 4 stars; one submission).

Submission:

Women's Health and Genetics/Laboratory Corporation of America, LabCorp
Classification: Uncertain significance. Last evaluated: 2026-02-12. Review status: criteria provided, single submitter. Criteria: LabCorp Variant Classification Summary - May 2015. Collection method: clinical testing. Allele origin: germline.
Comment: Variant summary: The variant involves the duplication of exons 1-2 in the YWHAG gene. A presumed nomenclature of c.(?_-184)_(*2779_?)dup has been designated for the purposes of this classification. This duplication includes the entire coding sequence of the gene. As exact breakpoints are unknown, it may extend beyond the annotated region of the gene, to include other flanking genes. The variant was absent in 21694 control chromosomes. The available data on variant occurrences in the general population are insufficient to allow any conclusion about variant significance. To our knowledge, no occurrence of c.(?_-184)_(*2779_?)dup in individuals affected with YWHAG-related conditions and no experimental evidence demonstrating its impact on protein function have been reported. ClinVar contains an entry for this variant (Variation ID: 2425825). Based on the evidence outlined above, the variant was classified as uncertain significance.